The following is an entry in ClinVar:

NM_002246.3(KCNK3):c.955G>A (p.Glu319Lys)

Gene: KCNK3 (potassium two pore domain channel subfamily K member 3; plus strand). Cytogenetic location: 2p23.3.
Variant type: single nucleotide variant.
Coding change: c.955G>A on transcript NM_002246.3 (MANE Select); coding-DNA position 955, G replaced by A.
Protein change: p.Glu319Lys; replaces glutamic acid 319 with lysine.
Molecular consequence: missense variant.
Genome position (GRCh38, 1-based): chr2:26,728,338, G>A. VCF-style: chr2-26728338-G-A. GRCh37 (hg19) VCF-style: chr2-26951206-G-A.
Other names: short protein forms E319K.
Identifiers: ClinVar variation 2036963 (VCV002036963.6), dbSNP rs1169518399, ClinGen allele CA346263114.

ClinVar aggregate classification (germline): Uncertain significance. Review status: criteria provided, multiple submitters, no conflicts (2 of 4 stars). 3 submissions from 3 submitters: Uncertain significance (3). Last evaluated 2024-12-25.

Conditions:
Inborn genetic diseases. Identifiers: MedGen C0950123, MeSH D030342.
Pulmonary hypertension, primary, 4. Identifiers: Orphanet 422, MedGen C3809198, MONDO:0014136, OMIM 615344.

gnomAD v4.1: 50 of 1,604,938 alleles (0.0031%); highest among the groups gnomAD compares: Non-Finnish European, 0.0042%; no homozygotes.

Submissions (3):

Ambry Genetics
Classification: Uncertain significance for Inborn genetic diseases. Last evaluated: 2024-12-25. Review status: criteria provided, single submitter. Criteria: Ambry Variant Classification Scheme 2023. Collection method: clinical testing. Allele origin: germline.

Fulgent Genetics
Classification: Uncertain significance for Pulmonary hypertension, primary, 4. Last evaluated: 2024-04-08. Review status: criteria provided, single submitter. Criteria: ACMG Guidelines, 2015. Collection method: clinical testing. Allele origin: germline.

Labcorp Genetics (formerly Invitae), Labcorp
Classification: Uncertain significance for Pulmonary hypertension, primary, 4. Last evaluated: 2023-03-26. Review status: criteria provided, single submitter. Criteria: Invitae Variant Classification Sherloc (09022015). Collection method: clinical testing. Allele origin: germline.
Comment: This sequence change replaces glutamic acid, which is acidic and polar, with lysine, which is basic and polar, at codon 319 of the KCNK3 protein (p.Glu319Lys). In summary, the available evidence is currently insufficient to determine the role of this variant in disease. Therefore, it has been classified as a Variant of Uncertain Significance. An algorithm developed to predict the effect of missense changes on protein structure and function (PolyPhen-2) suggests that this variant is likely to be disruptive. ClinVar contains an entry for this variant (Variation ID: 2036963). This variant has not been reported in the literature in individuals affected with KCNK3-related conditions. This variant is not present in population databases (gnomAD no frequency).